The following is an entry in ClinVar:

ClinVar aggregate classification (germline): Likely benign (1 of 4 stars; one submission).

Conditions:
PLXNA1-related disorder. Also called: PLXNA1-related condition.

Submission:

PreventionGenetics, part of Exact Sciences
Classification: Likely benign for PLXNA1-related condition. Last evaluated: 2026-01-28. Review status: criteria provided, single submitter. Criteria: ACMG Guidelines, 2015. Collection method: clinical testing. Allele origin: germline.
Comment: This variant is classified as likely benign based on ACMG/AMP sequence variant interpretation guidelines (Richards et al. 2015 PMID: 25741868, with internal and published modifications).

NM_032242.4(PLXNA1):c.2604+6G>A

Gene: PLXNA1 (plexin A1; plus strand). Cytogenetic location: 3q21.3.
Variant type: single nucleotide variant.
Coding change: c.2604+6G>A on transcript NM_032242.4 (MANE Select); 6 bases into the intron after coding-DNA position 2604, G replaced by A.
Molecular consequence: intron variant.
Genome position (GRCh38, 1-based): chr3:127,014,381, G>A. VCF-style: chr3-127014381-G-A. GRCh37 (hg19) VCF-style: chr3-126733224-G-A.
Identifiers: ClinVar variation 4993593 (VCV004993593.1).
Genomic context (GRCh38, chr3:127,014,381, plus strand): 5'-GTGGATGCACGCGCGTCACGGCAGCAGTCGCTGCACCGACCCCAAGATCCTCAAGGTAGG[G>A]CCCCCAGCCCTGCCCCCACACCCCATGCCCCGCCCTGCACCACCGCACACCCTACGCCCT-3'